The following is an entry in ClinVar:

ClinVar aggregate classification (germline): Conflicting classifications of pathogenicity. Review status: criteria provided, conflicting classifications (1 of 4 stars). 3 submissions from 3 submitters: Uncertain significance (2); Likely benign (1). Last evaluated 2026-02-03.

Conditions:
Inborn genetic diseases. Identifiers: MedGen C0950123, MeSH D030342.
Periventricular nodular heterotopia 7 (PVNH7). Identifiers: MedGen C4310669, MONDO:0014966, OMIM 617201.

Allele frequency attached by ClinVar (database versions not stated): gnomAD 0.00004 and 0.00005; TOPMed 0.00004; ESP Exome Variant Server 0.00008; gnomAD exomes 0.00008; ExAC 0.00014; 1000 Genomes Project 30x 0.00016.
gnomAD v4.1: 26 of 1,564,242 alleles (0.0017%); highest among the groups gnomAD compares: Admixed American, 0.022%; no homozygotes.

Submissions (3):

Labcorp Genetics (formerly Invitae), Labcorp
Classification: Uncertain significance. Last evaluated: 2026-02-03. Review status: criteria provided, single submitter. Criteria: Invitae Variant Classification Sherloc (09022015). Collection method: clinical testing. Allele origin: germline.
Comment: This sequence change replaces asparagine, which is neutral and polar, with serine, which is neutral and polar, at codon 738 of the NEDD4L protein (p.Asn738Ser). This variant is present in population databases (rs202127939, gnomAD 0.03%). This variant has not been reported in the literature in individuals affected with NEDD4L-related conditions. ClinVar contains an entry for this variant (Variation ID: 849775). Invitae Evidence Modeling of protein sequence and biophysical properties (such as structural, functional, and spatial information, amino acid conservation, physicochemical variation, residue mobility, and thermodynamic stability) has been performed for this missense variant. However, the output from this modeling did not meet the statistical confidence thresholds required to predict the impact of this variant on NEDD4L protein function. In summary, the available evidence is currently insufficient to determine the role of this variant in disease. Therefore, it has been classified as a Variant of Uncertain Significance.

Ambry Genetics
Classification: Likely benign for Inborn genetic diseases. Last evaluated: 2024-12-09. Review status: criteria provided, single submitter. Criteria: Ambry Variant Classification Scheme 2023. Collection method: clinical testing. Allele origin: germline.

Fulgent Genetics
Classification: Uncertain significance for Periventricular nodular heterotopia 7. Last evaluated: 2022-03-30. Review status: criteria provided, single submitter. Criteria: ACMG Guidelines, 2015. Collection method: clinical testing. Allele origin: unknown.

NM_001144967.3(NEDD4L):c.2273A>G (p.Asn758Ser)

Gene: NEDD4L (NEDD4 like E3 ubiquitin protein ligase; plus strand). Cytogenetic location: 18q21.31.
Variant type: single nucleotide variant.
Coding change: c.2273A>G on transcript NM_001144967.3 (MANE Select); coding-DNA position 2273, A replaced by G.
Protein change: p.Asn758Ser; replaces asparagine 758 with serine.
Molecular consequence: missense variant.
Genome position (GRCh38, 1-based): chr18:58,373,190, A>G. VCF-style: chr18-58373190-A-G. GRCh37 (hg19) VCF-style: chr18-56040422-A-G.
Other names: c.1910A>G, p.Asn637Ser (NM_001144964.1, NM_001144965.2, NM_001144966.3); c.2249A>G, p.Asn750Ser (NM_001144968.2); c.2189A>G, p.Asn730Ser (NM_001144969.2); c.1850A>G, p.Asn617Ser (NM_001144970.3, NM_001144971.2); c.2081A>G, p.Asn694Ser (NM_001243960.2); c.2213A>G, p.Asn738Ser (NM_015277.6); short protein forms N694S, N637S, N738S, N758S, N617S, N730S, N750S.
Identifiers: ClinVar variation 849775 (VCV000849775.10), dbSNP rs202127939, ClinGen allele CA8975925.